The following is an entry in ClinVar:

ClinVar aggregate classification (germline): Uncertain significance (1 of 4 stars; one submission).

Conditions:
Werner syndrome (WRN). Identifiers: Orphanet 902, MedGen C0043119, MONDO:0010196, OMIM 277700.

Submission:

Labcorp Genetics (formerly Invitae), Labcorp
Classification: Uncertain significance for Werner syndrome. Last evaluated: 2023-04-06. Review status: criteria provided, single submitter. Criteria: Invitae Variant Classification Sherloc (09022015). Collection method: clinical testing. Allele origin: germline.
Comment: This variant is not present in population databases (gnomAD no frequency). In summary, the available evidence is currently insufficient to determine the role of this variant in disease. Therefore, it has been classified as a Variant of Uncertain Significance. Experimental studies and prediction algorithms are not available or were not evaluated, and the functional significance of this variant is currently unknown. This variant has not been reported in the literature in individuals affected with WRN-related conditions. This variant, c.779_780insCTT, is a complex sequence change that results in the deletion of 1 and insertion of 2 amino acid(s) in the WRN protein (p.Glu260delinsAspLeu).

NM_000553.6(WRN):c.779_780insCTT (p.Glu260delinsAspLeu)

Gene: WRN (WRN RecQ like helicase; plus strand). Cytogenetic location: 8p12.
Variant type: Insertion.
Coding change: c.779_780insCTT on transcript NM_000553.6 (MANE Select); coding-DNA positions 779 to 780, CTT inserted.
Protein change: p.Glu260delinsAspLeu.
Molecular consequence: inframe indel.
Genome position: GRCh38 VCF-style: chr8-31076227-A-ACTT. GRCh37 (hg19) VCF-style: chr8-30933743-A-ACTT.
Identifiers: ClinVar variation 2852189 (VCV002852189.3), dbSNP rs2535901998, ClinGen allele CA2739279514.
Genomic context (GRCh38, chr8:31,076,227, plus strand): 5'-CCCTAGAGGAAGAAATCCTACTTAGCGACATGAACAAACAGTTGACTTCAATCTCTGAGG[A>ACTT]AGTGATGGATCTGGCTAAGCATCTTCCTCATGCTTTCAGTAAATTGGAAAACCCACGGAG-3'